The following is an entry in ClinVar:

ClinVar aggregate classification (germline): Uncertain significance. Review status: criteria provided, multiple submitters, no conflicts (2 of 4 stars). 2 submissions from 2 submitters: Uncertain significance (2). Last evaluated 2021-11-08.

Allele frequency attached by ClinVar (database versions not stated): gnomAD exomes 0.00001; gnomAD 0.00003 and 0.00004; TOPMed 0.00003.
gnomAD v4.1: 26 of 1,553,524 alleles (0.0017%); highest among the groups gnomAD compares: African/African-American, 0.0055%; no homozygotes.

Submissions (2):

Blueprint Genetics
Classification: Uncertain significance. Last evaluated: 2021-11-08. Review status: criteria provided, single submitter. Criteria: ACMG Guidelines, 2015. Collection method: clinical testing. Allele origin: germline.

ARUP Laboratories, Molecular Genetics and Genomics, ARUP Laboratories
Classification: Uncertain significance. Last evaluated: 2020-05-26. Review status: criteria provided, single submitter. Criteria: ARUP Molecular Germline Variant Investigation Process. Collection method: clinical testing. Allele origin: germline.
Comment: The PIEZO1 c.6375G>A; p.Val2125= variant (rs948359372), to our knowledge, is not reported in the medical literature or gene-specific databases. This variant is found on only three chromosomes (3/31382 alleles) in the Genome Aggregation Database. This is a synonymous variant in a weakly conserved nucleotide, and computational analyses (Alamut v.2.11) predict that this variant may impact splicing by creating a novel cryptic donor splice site. However, RNA studies would be required to confirm an effect on splicing. Given the lack of clinical and functional data, the significance of the c.6375G>A; p.Val2125= variant is uncertain at this time.

NM_001142864.4(PIEZO1):c.6375G>A (p.Val2125=)

Gene: PIEZO1 (piezo type mechanosensitive ion channel component 1 (Er blood group); minus strand). Cytogenetic location: 16q24.3.
Variant type: single nucleotide variant.
Coding change: c.6375G>A on transcript NM_001142864.4 (MANE Select); coding-DNA position 6375, G replaced by A.
Protein change: p.Val2125=; no amino-acid change (valine 2125 retained).
Molecular consequence: synonymous variant.
Genome position (GRCh38, 1-based): chr16:88,719,670, C>T on the plus strand (G>A on the coding strand, the complement: PIEZO1 is on the minus strand). VCF-style: chr16-88719670-C-T. GRCh37 (hg19) VCF-style: chr16-88786078-C-T.
Identifiers: ClinVar variation 994160 (VCV000994160.9), dbSNP rs948359372, ClinGen allele CA286409281.